The following is an entry in ClinVar:

ClinVar aggregate classification (germline): Uncertain significance (1 of 4 stars; one submission).

Submission:

Labcorp Genetics (formerly Invitae), Labcorp
Classification: Uncertain significance. Last evaluated: 2024-07-23. Review status: criteria provided, single submitter. Criteria: Invitae Variant Classification Sherloc (09022015). Collection method: clinical testing. Allele origin: germline.
Comment: This sequence change replaces aspartic acid, which is acidic and polar, with valine, which is neutral and non-polar, at codon 610 of the POLR3A protein (p.Asp610Val). This variant is not present in population databases (gnomAD no frequency). This variant has not been reported in the literature in individuals affected with POLR3A-related conditions. Advanced modeling of protein sequence and biophysical properties (such as structural, functional, and spatial information, amino acid conservation, physicochemical variation, residue mobility, and thermodynamic stability) performed at Invitae indicates that this missense variant is not expected to disrupt POLR3A protein function with a negative predictive value of 95%. In summary, the available evidence is currently insufficient to determine the role of this variant in disease. Therefore, it has been classified as a Variant of Uncertain Significance.

NM_007055.4(POLR3A):c.1829A>T (p.Asp610Val)

Gene: POLR3A (RNA polymerase III subunit A; minus strand). Cytogenetic location: 10q22.3.
Variant type: single nucleotide variant.
Coding change: c.1829A>T on transcript NM_007055.4 (MANE Select); coding-DNA position 1829, A replaced by T.
Protein change: p.Asp610Val; replaces aspartic acid 610 with valine.
Molecular consequence: missense variant.
Genome position (GRCh38, 1-based): chr10:78,009,617, T>A on the plus strand (A>T on the coding strand, the complement: POLR3A is on the minus strand). VCF-style: chr10-78009617-T-A. GRCh37 (hg19) VCF-style: chr10-79769375-T-A.
Other names: short protein forms D610V.
Identifiers: ClinVar variation 3636949 (VCV003636949.2).